The following is an entry in ClinVar:

NM_001379200.1(TBX1):c.518C>T (p.Pro173Leu)

Gene: TBX1 (T-box transcription factor 1; plus strand). Cytogenetic location: 22q11.21.
Variant type: single nucleotide variant.
Coding change: c.518C>T on transcript NM_001379200.1 (MANE Select); coding-DNA position 518, C replaced by T.
Protein change: p.Pro173Leu; replaces proline 173 with leucine.
Molecular consequence: missense variant.
Genome position (GRCh38, 1-based): chr22:19,763,321, C>T. VCF-style: chr22-19763321-C-T. GRCh37 (hg19) VCF-style: chr22-19750844-C-T.
Other names: c.491C>T, p.Pro164Leu (NM_005992.1, NM_080646.2, NM_080647.1); short protein forms P164L, P173L.
Identifiers: ClinVar variation 3668510 (VCV003668510.2).

ClinVar aggregate classification (germline): Uncertain significance (1 of 4 stars; one submission).

Conditions:
DiGeorge syndrome. Also called: THIRD AND FOURTH PHARYNGEAL POUCH SYNDROME; Catch22. Identifiers: Orphanet 567, MedGen C0012236, MONDO:0008564, OMIM 188400.

gnomAD v4.1: 14 of 1,614,060 alleles (0.00087%); highest among the groups gnomAD compares: South Asian, 0.0044%; no homozygotes.

Submission:

Labcorp Genetics (formerly Invitae), Labcorp
Classification: Uncertain significance for DiGeorge syndrome. Last evaluated: 2025-07-02. Review status: criteria provided, single submitter. Criteria: Invitae Variant Classification Sherloc (09022015). Collection method: clinical testing. Allele origin: germline.
Comment: This sequence change replaces proline, which is neutral and non-polar, with leucine, which is neutral and non-polar, at codon 164 of the TBX1 protein (p.Pro164Leu). This variant is present in population databases (rs766205381, gnomAD 0.007%). This variant has not been reported in the literature in individuals affected with TBX1-related conditions. ClinVar contains an entry for this variant (Variation ID: 3668510). Invitae Evidence Modeling of protein sequence and biophysical properties (such as structural, functional, and spatial information, amino acid conservation, physicochemical variation, residue mobility, and thermodynamic stability) indicates that this missense variant is not expected to disrupt TBX1 protein function with a negative predictive value of 80%. In summary, the available evidence is currently insufficient to determine the role of this variant in disease. Therefore, it has been classified as a Variant of Uncertain Significance.